The following is an entry in ClinVar:

NM_024589.3(ROGDI):c.117+5C>T

Gene: ROGDI (rogdi atypical leucine zipper; minus strand). Cytogenetic location: 16p13.3.
Variant type: single nucleotide variant.
Coding change: c.117+5C>T on transcript NM_024589.3 (MANE Select); 5 bases into the intron after coding-DNA position 117, C replaced by T.
Molecular consequence: intron variant.
Genome position (GRCh38, 1-based): chr16:4,802,377, G>A on the plus strand (C>T on the coding strand, the complement: ROGDI is on the minus strand). VCF-style: chr16-4802377-G-A. GRCh37 (hg19) VCF-style: chr16-4852378-G-A.
Identifiers: ClinVar variation 1478208 (VCV001478208.3), dbSNP rs761951820, ClinGen allele CA7883024.

ClinVar aggregate classification (germline): Uncertain significance (1 of 4 stars; one submission).

Conditions:
Amelocerebrohypohidrotic syndrome (KTZS). Also called: Kohlschutter's syndrome; KOHLSCHUTTER SYNDROME; EPILEPSY AND YELLOW TEETH; EPILEPSY, DEMENTIA, AND AMELOGENESIS IMPERFECTA. Identifiers: Orphanet 1946, MedGen C0406740, MONDO:0009185, OMIM 226750.

Allele frequency attached by ClinVar (database versions not stated): ExAC 0.00004.
gnomAD v4.1: 16 of 1,568,394 alleles (0.001%); highest among the groups gnomAD compares: South Asian, 0.0023%; no homozygotes.

Submission:

Labcorp Genetics (formerly Invitae), Labcorp
Classification: Uncertain significance for Amelocerebrohypohidrotic syndrome. Last evaluated: 2021-09-03. Review status: criteria provided, single submitter. Criteria: Invitae Variant Classification Sherloc (09022015). Collection method: clinical testing. Allele origin: germline.
Comment: This sequence change falls in intron 2 of the ROGDI gene. It does not directly change the encoded amino acid sequence of the ROGDI protein. It affects a nucleotide within the consensus splice site of the intron. This variant is present in population databases (rs761951820, ExAC 0.008%). This variant has not been reported in the literature in individuals affected with ROGDI-related conditions. Variants that disrupt the consensus splice site are a relatively common cause of aberrant splicing (PMID: 17576681, 9536098). Algorithms developed to predict the effect of sequence changes on RNA splicing suggest that this variant is not likely to affect RNA splicing. In summary, the available evidence is currently insufficient to determine the role of this variant in disease. Therefore, it has been classified as a Variant of Uncertain Significance.

Literature cited by the submitters: PubMed 17576681; PubMed 9536098.